The following is an entry in ClinVar:

NM_001447.3(FAT2):c.12933_12936del (p.Cys4312fs)

Genes: FAT2 (FAT atypical cadherin 2; minus strand), SLC36A1 (solute carrier family 36 member 1; plus strand). Cytogenetic location: 5q33.1.
Variant type: Microsatellite.
Coding change: c.12933_12936del on transcript NM_001447.3 (MANE Select); coding-DNA positions 12933 to 12936, 4 bases deleted (CTGT; older notation c.12933_12936delCTGT).
Protein change: p.Cys4312fs; shifts the reading frame from cysteine 4312.
Molecular consequence: frameshift variant.
Genome position (GRCh38, 1-based): chr5:151,505,679-151,505,682, ACAG deleted on the plus strand (CTGT on the coding strand, the reverse complement: FAT2 is on the minus strand); deleting any 4 consecutive bases within chr5:151,505,679-151,505,686 gives the same sequence; the c. name uses the placement nearest the transcript's 3' end. VCF-style (leftmost placement, unchanged base first): chr5-151505678-CACAG-C. GRCh37 (hg19) VCF-style: chr5-150885239-CACAG-C.
Other names: short protein forms C4312fs.
Identifiers: ClinVar variation 1878247 (VCV001878247.1), dbSNP rs2480852547, ClinGen allele CA2580614784.
Genomic context (GRCh38, chr5:151,505,678, plus strand): 5'-CCTCATAGTTGGGGGGCACCCGGGGCTGGCCCTGGCCTGCAAGAGGTGCCCCCTCCACCT[CACAG>C]ACAGCATAAGAGGGCCCAGCTCGGCTGAGGCGCATACCCACCCCCTTGTAGCCCCCGTCT-3'

ClinVar aggregate classification (germline): Uncertain significance (1 of 4 stars; one submission).

Submission:

Women's Health and Genetics/Laboratory Corporation of America, LabCorp
Classification: Uncertain significance. Last evaluated: 2022-12-08. Review status: criteria provided, single submitter. Criteria: LabCorp Variant Classification Summary - May 2015. Collection method: clinical testing. Allele origin: germline.
Comment: Variant summary: FAT2 c.12933_12936delCTGT (p.Cys4312ArgfsX83) causes a frameshift in the last exon which disrupts the last 38 amino acids of the encoded protein sequence and results in an extension of the protein. The variant was absent in 250884 control chromosomes (gnomAD). The available data on variant occurrences in the general population are insufficient to allow any conclusion about variant significance. To our knowledge, no occurrence of c.12933_12936delCTGT in individuals affected with Spinocerebellar Ataxia and no experimental evidence demonstrating its impact on protein function have been reported. No clinical diagnostic laboratories have submitted clinical-significance assessments for this variant to ClinVar after 2014. Based on the evidence outlined above, the variant was classified as uncertain significance.